The following is an entry in ClinVar:

NM_020911.2(PLXNA4):c.141C>T (p.Pro47=)

Gene: PLXNA4 (plexin A4; minus strand). Cytogenetic location: 7q32.3.
Variant type: single nucleotide variant.
Coding change: c.141C>T on transcript NM_020911.2 (MANE Select); coding-DNA position 141, C replaced by T.
Protein change: p.Pro47=; no amino-acid change (proline 47 retained).
Molecular consequence: synonymous variant.
Genome position (GRCh38, 1-based): chr7:132,508,553, G>A on the plus strand (C>T on the coding strand, the complement: PLXNA4 is on the minus strand). VCF-style: chr7-132508553-G-A. GRCh37 (hg19) VCF-style: chr7-132193312-G-A.
Other names: c.141C>T, p.Pro47= (NM_001105543.2, NM_001393897.1, NM_181775.4).
Identifiers: ClinVar variation 3036413 (VCV003036413.2), dbSNP rs750578200, ClinGen allele CA4490545.

ClinVar aggregate classification (germline): Likely benign (0 of 4 stars; one submission).

Conditions:
PLXNA4-related disorder. Also called: PLXNA4-related condition.

Allele frequency attached by ClinVar (database versions not stated): TOPMed 0.00004; gnomAD 0.00005; ExAC 0.00016.
gnomAD v4.1: 120 of 1,613,982 alleles (0.0074%); highest among the groups gnomAD compares: Non-Finnish European, 0.0092%; no homozygotes.

Submission:

PreventionGenetics, part of Exact Sciences
Classification: Likely benign for PLXNA4-related condition. Last evaluated: 2022-11-11. Review status: no assertion criteria provided. Collection method: clinical testing. Allele origin: germline.
Comment: This variant is classified as likely benign based on ACMG/AMP sequence variant interpretation guidelines (Richards et al. 2015 PMID: 25741868, with internal and published modifications).